The following is an entry in ClinVar:

NM_006206.6(PDGFRA):c.1665T>C (p.Tyr555=)

Gene: PDGFRA (platelet derived growth factor receptor alpha; plus strand). Cytogenetic location: 4q12.
Variant type: single nucleotide variant.
Coding change: c.1665T>C on transcript NM_006206.6 (MANE Select); coding-DNA position 1665, T replaced by C.
Protein change: p.Tyr555=; no amino-acid change (tyrosine 555 retained).
Molecular consequence: synonymous variant.
Genome position (GRCh38, 1-based): chr4:54,274,852, T>C. VCF-style: chr4-54274852-T-C. GRCh37 (hg19) VCF-style: chr4-55141019-T-C.
Other names: c.1665T>C, p.Tyr555= (NM_001347827.2, NM_001347829.2); c.1740T>C, p.Tyr580= (NM_001347828.2); c.1704T>C, p.Tyr568= (NM_001347830.2).
Identifiers: ClinVar variation 528699 (VCV000528699.11), dbSNP rs1024367426, ClinGen allele CA96859674.
Genomic context (GRCh38, chr4:54,274,852, plus strand): 5'-GCACTGGGACTTTGGTAATTCACCAGTTACCTGTCCTGGTCATTTATAGAAACCGAGGTA[T>C]GAAATTCGCTGGAGGGTCATTGAATCAATCAGCCCAGATGGACATGAATATATTTATGTG-3'
Protein context (NP_006197.1, residues 545-565): LVVIWKQKPR[Tyr555=]EIRWRVIESI

ClinVar aggregate classification (germline): Benign/Likely benign. Review status: criteria provided, multiple submitters, no conflicts (2 of 4 stars). 3 submissions from 3 submitters: Benign (1); Likely benign (2). Last evaluated 2026-06-17.

Conditions:
Polyps, multiple and recurrent inflammatory fibroid, gastrointestinal. Identifiers: MedGen C5193005, MONDO:0008285, OMIM 175510.
Gastrointestinal stromal tumor. Also called: Gastrointestinal stromal tumor, somatic; Gastrointestinal stroma tumor. Identifiers: Orphanet 44890, MedGen C0238198, MeSH D046152, MONDO:0011719, OMIM 606764, HP:0100723.
Hereditary cancer-predisposing syndrome. Also called: Hereditary neoplastic syndrome; Neoplastic Syndromes, Hereditary; Hereditary Cancer Syndrome; Tumor predisposition. Identifiers: Orphanet 140162, MedGen C0027672, MeSH D009386, MONDO:0015356.

Allele frequency attached by ClinVar (database versions not stated): TOPMed 0.00001.

Submissions (3):

Myriad Genetics, Inc.
Classification: Benign for Polyps, multiple and recurrent inflammatory fibroid, gastrointestinal. Last evaluated: 2026-06-17. Review status: criteria provided, single submitter. Criteria: Myriad Autosomal Dominant, Autosomal Recessive and X-Linked Classification Criteria (2023). Collection method: clinical testing. Allele origin: unknown.
Comment: This variant is considered benign. This variant is a silent/synonymous amino acid change and it is not expected to impact splicing.

Labcorp Genetics (formerly Invitae), Labcorp
Classification: Likely benign for Gastrointestinal stromal tumor. Last evaluated: 2025-05-24. Review status: criteria provided, single submitter. Criteria: Invitae Variant Classification Sherloc (09022015). Collection method: clinical testing. Allele origin: germline.

Ambry Genetics
Classification: Likely benign for Hereditary cancer-predisposing syndrome. Last evaluated: 2025-01-06. Review status: criteria provided, single submitter. Criteria: Ambry Variant Classification Scheme 2023. Collection method: clinical testing. Allele origin: germline.